The following is an entry in ClinVar:

ClinVar aggregate classification (germline): Uncertain significance (1 of 4 stars; one submission).

Conditions:
Cardiovascular phenotype. Identifiers: MedGen CN230736.

Allele frequency attached by ClinVar (database versions not stated): TOPMed 0.00002; gnomAD 0.00003.
gnomAD v4.1: 6 of 1,613,142 alleles (0.00037%); highest among the groups gnomAD compares: Non-Finnish European, 0.00051%; no homozygotes.

Submission:

Ambry Genetics
Classification: Uncertain significance for Cardiovascular phenotype. Last evaluated: 2020-02-07. Review status: criteria provided, single submitter. Criteria: Ambry Variant Classification Scheme 2023. Collection method: clinical testing. Allele origin: germline.
Comment: The p.P10464T variant (also known as c.31390C>A), located in coding exon 125 of the TTN gene, results from a C to A substitution at nucleotide position 31390. The proline at codon 10464 is replaced by threonine, an amino acid with highly similar properties. This amino acid position is highly conserved in available vertebrate species. In addition, this alteration is predicted to be tolerated by in silico analysis. Since supporting evidence is limited at this time, the clinical significance of this alteration remains unclear.

NM_001267550.2(TTN):c.58585C>A (p.Pro19529Thr)

Genes: TTN (titin; minus strand), TTN-AS1 (TTN antisense RNA 1; plus strand). Cytogenetic location: 2q31.2.
Variant type: single nucleotide variant.
Coding change: c.58585C>A on transcript NM_001267550.2 (MANE Select); coding-DNA position 58585, C replaced by A.
Protein change: p.Pro19529Thr; replaces proline 19529 with threonine.
Molecular consequence: missense variant.
Genome position (GRCh38, 1-based): chr2:178,593,715, G>T on the plus strand (C>A on the coding strand, the complement: TTN is on the minus strand). VCF-style: chr2-178593715-G-T. GRCh37 (hg19) VCF-style: chr2-179458442-G-T.
Other names: c.53662C>A, p.Pro17888Thr (NM_001256850.1); c.31390C>A, p.Pro10464Thr (NM_003319.4); c.50881C>A, p.Pro16961Thr (NM_133378.4); c.31765C>A, p.Pro10589Thr (NM_133432.3); c.31966C>A, p.Pro10656Thr (NM_133437.4); short protein forms P10589T, P16961T, P19529T, P10464T, P17888T, P10656T.
Identifiers: ClinVar variation 1728043 (VCV001728043.2), dbSNP rs878972430, ClinGen allele CA60971515.